The following is an entry in ClinVar:

ClinVar aggregate classification (germline): Uncertain significance (1 of 4 stars; one submission).

Conditions:
Hereditary cancer-predisposing syndrome. Also called: Neoplastic Syndromes, Hereditary; Hereditary Cancer Syndrome; Tumor predisposition; Hereditary neoplastic syndrome. Identifiers: Orphanet 140162, MedGen C0027672, MeSH D009386, MONDO:0015356.

Submission:

Ambry Genetics
Classification: Uncertain significance for Hereditary cancer-predisposing syndrome. Last evaluated: 2025-01-25. Review status: criteria provided, single submitter. Criteria: Ambry Variant Classification Scheme 2023. Collection method: clinical testing. Allele origin: germline.
Comment: The p.V758L variant (also known as c.2272G>C), located in coding exon 20 of the POLE gene, results from a G to C substitution at nucleotide position 2272. The valine at codon 758 is replaced by leucine, an amino acid with highly similar properties. This amino acid position is conserved. In addition, the in silico prediction for this alteration is inconclusive. Based on the available evidence, the clinical significance of this variant remains unclear.

NM_006231.4(POLE):c.2272G>C (p.Val758Leu)

Gene: POLE (DNA polymerase epsilon, catalytic subunit; minus strand). Cytogenetic location: 12q24.33.
Variant type: single nucleotide variant.
Coding change: c.2272G>C on transcript NM_006231.4 (MANE Select); coding-DNA position 2272, G replaced by C.
Protein change: p.Val758Leu; replaces valine 758 with leucine.
Molecular consequence: missense variant.
Genome position (GRCh38, 1-based): chr12:132,667,550, C>G on the plus strand (G>C on the coding strand, the complement: POLE is on the minus strand). VCF-style: chr12-132667550-C-G. GRCh37 (hg19) VCF-style: chr12-133244136-C-G.
Other names: short protein forms V758L.
Identifiers: ClinVar variation 3781573 (VCV003781573.1).
Genomic context (GRCh38, chr12:132,667,550, plus strand): 5'-CCTCAGAGCTCACCTTGTGGAGCCCTTTGAACTCGTAACGCCTGTCCCGGAAGGCACGCA[C>G]GGTGTCCACGTAGAAGGAGTTTTCCCGCTGGCAGATGGTGGTGAGACGCTCTTCCACCTT-3'
Protein context (NP_006222.2, residues 748-768): QRENSFYVDT[Val758Leu]RAFRDRRYEF